The following is an entry in ClinVar:

NM_006231.4(POLE):c.6041G>A (p.Gly2014Glu)

Gene: POLE (DNA polymerase epsilon, catalytic subunit; minus strand). Cytogenetic location: 12q24.33.
Variant type: single nucleotide variant.
Coding change: c.6041G>A on transcript NM_006231.4 (MANE Select); coding-DNA position 6041, G replaced by A.
Protein change: p.Gly2014Glu; replaces glycine 2014 with glutamic acid.
Molecular consequence: missense variant.
Genome position (GRCh38, 1-based): chr12:132,632,759, C>T on the plus strand (G>A on the coding strand, the complement: POLE is on the minus strand). VCF-style: chr12-132632759-C-T. GRCh37 (hg19) VCF-style: chr12-133209345-C-T.
Other names: short protein forms G2014E.
Identifiers: ClinVar variation 567825 (VCV000567825.9), dbSNP rs757480645, ClinGen allele CA6892301.

ClinVar aggregate classification (germline): Conflicting classifications of pathogenicity. Review status: criteria provided, conflicting classifications (1 of 4 stars). 2 submissions from 2 submitters: Uncertain significance (1); Likely benign (1). Last evaluated 2025-05-25.

Conditions:
Hereditary cancer-predisposing syndrome. Also called: Neoplastic Syndromes, Hereditary; Tumor predisposition; Hereditary neoplastic syndrome; Hereditary Cancer Syndrome. Identifiers: Orphanet 140162, MedGen C0027672, MeSH D009386, MONDO:0015356.

Allele frequency attached by ClinVar (database versions not stated): gnomAD exomes below 0.00001; TOPMed below 0.00001; ExAC 0.00001; gnomAD 0.00001.
gnomAD v4.1: 4 of 1,612,244 alleles (0.00025%); highest among the groups gnomAD compares: Non-Finnish European, 0.00025%; no homozygotes.

Submissions (2):

Labcorp Genetics (formerly Invitae), Labcorp
Classification: Uncertain significance. Last evaluated: 2025-05-25. Review status: criteria provided, single submitter. Criteria: Invitae Variant Classification Sherloc (09022015). Collection method: clinical testing. Allele origin: germline.
Comment: This sequence change replaces glycine, which is neutral and non-polar, with glutamic acid, which is acidic and polar, at codon 2014 of the POLE protein (p.Gly2014Glu). This variant is present in population databases (rs757480645, gnomAD 0.0009%). This variant has not been reported in the literature in individuals affected with POLE-related conditions. ClinVar contains an entry for this variant (Variation ID: 567825). Invitae Evidence Modeling of protein sequence and biophysical properties (such as structural, functional, and spatial information, amino acid conservation, physicochemical variation, residue mobility, and thermodynamic stability) indicates that this missense variant is not expected to disrupt POLE protein function with a negative predictive value of 80%. In summary, the available evidence is currently insufficient to determine the role of this variant in disease. Therefore, it has been classified as a Variant of Uncertain Significance.

Ambry Genetics
Classification: Likely benign for Hereditary cancer-predisposing syndrome. Last evaluated: 2021-08-08. Review status: criteria provided, single submitter. Criteria: Ambry Variant Classification Scheme 2023. Collection method: clinical testing. Allele origin: germline.